The following is an entry in ClinVar:

NM_002227.4(JAK1):c.3259-49T>C

Gene: JAK1 (Janus kinase 1; minus strand). Cytogenetic location: 1p31.3.
Variant type: single nucleotide variant.
Coding change: c.3259-49T>C on transcript NM_002227.4 (MANE Select); 49 bases into the intron before coding-DNA position 3259, T replaced by C.
Molecular consequence: intron variant.
Genome position (GRCh38, 1-based): chr1:64,835,555, A>G on the plus strand (T>C on the coding strand, the complement: JAK1 is on the minus strand). VCF-style: chr1-64835555-A-G. GRCh37 (hg19) VCF-style: chr1-65301238-A-G.
Other names: c.3259-49T>C (NM_001321852.2, NM_001321854.2, NM_001321853.2 and 3 more transcripts); c.3256-49T>C (NM_001321857.2).
Identifiers: ClinVar variation 2628298 (VCV002628298.2), dbSNP rs2274945, ClinGen allele CA892487.

ClinVar aggregate classification (germline): Benign (1 of 4 stars; one submission).

Allele frequency attached by ClinVar (database versions not stated): 1000 Genomes Project 0.03894; 1000 Genomes Project 30x 0.03951; ESP Exome Variant Server 0.04561; TOPMed 0.05722.
gnomAD v4.1: 68,714 of 1,099,308 alleles (6.3%); highest among the groups gnomAD compares: Admixed American, 15%; 2,753 homozygotes.

Submission:

Unidad de Genómica Garrahan, Hospital de Pediatría Garrahan
Classification: Benign. Last evaluated: 2023-11-12. Review status: criteria provided, single submitter. Criteria: ACMG Guidelines, 2015. Collection method: clinical testing. Allele origin: germline. Affected: no. Observed: 20 variant alleles.
Comment: This variant is classified as Benign based on local population frequency. This variant was detected in 21% of patients studied by a panel of primary immunodeficiencies. Number of patients: 20. Only high quality variants are reported.